The following is an entry in ClinVar:

ClinVar aggregate classification (germline): Uncertain significance (1 of 4 stars; one submission).

Conditions:
Familial cancer of breast. Also called: BREAST CANCER, FAMILIAL; Hereditary breast cancer; hereditary breast carcinoma. Identifiers: Orphanet 227535, MedGen C0346153, MONDO:0016419, OMIM 114480. Disease mechanism: loss of function.

gnomAD v4.1: 1 of 1,614,194 alleles (0.000062%); highest among the groups gnomAD compares: South Asian, 0.0011%; no homozygotes.

Submission:

Labcorp Genetics (formerly Invitae), Labcorp
Classification: Uncertain significance for Familial cancer of breast. Last evaluated: 2022-03-15. Review status: criteria provided, single submitter. Criteria: Invitae Variant Classification Sherloc (09022015). Collection method: clinical testing. Allele origin: germline.
Comment: In summary, the available evidence is currently insufficient to determine the role of this variant in disease. Therefore, it has been classified as a Variant of Uncertain Significance. Algorithms developed to predict the effect of missense changes on protein structure and function are either unavailable or do not agree on the potential impact of this missense change (SIFT: "Deleterious"; PolyPhen-2: "Probably Damaging"; Align-GVGD: "Class C0"). This variant has not been reported in the literature in individuals affected with PALB2-related conditions. This variant is not present in population databases (gnomAD no frequency). This sequence change replaces aspartic acid, which is acidic and polar, with asparagine, which is neutral and polar, at codon 616 of the PALB2 protein (p.Asp616Asn).

NM_024675.4(PALB2):c.1846G>A (p.Asp616Asn)

Gene: PALB2 (partner and localizer of BRCA2; minus strand). Cytogenetic location: 16p12.2.
Variant type: single nucleotide variant.
Coding change: c.1846G>A on transcript NM_024675.4 (MANE Select); coding-DNA position 1846, G replaced by A.
Protein change: p.Asp616Asn; replaces aspartic acid 616 with asparagine.
Molecular consequence: missense variant.
Genome position (GRCh38, 1-based): chr16:23,630,308, C>T on the plus strand (G>A on the coding strand, the complement: PALB2 is on the minus strand). VCF-style: chr16-23630308-C-T. GRCh37 (hg19) VCF-style: chr16-23641629-C-T.
Other names: short protein forms D616N.
Identifiers: ClinVar variation 1450545 (VCV001450545.7), dbSNP rs786201907, ClinGen allele CA395127827.
Genomic context (GRCh38, chr16:23,630,308, plus strand): 5'-CCACTGGTTTTTCTGAGCAGGACTTCACTTTTTCAAGCTTAAGAGGTCCAAAGTCTTCAT[C>T]AGGTAACTGAAAGTCTGTGATACTGAGAAAAGACAGTAGTTGCTTTAAACTCAGCATTCC-3'
Protein context (NP_078951.2, residues 606-626): FLSITDFQLP[Asp616Asn]EDFGPLKLEK